The following is an entry in ClinVar:

ClinVar aggregate classification (germline): Likely pathogenic (1 of 4 stars; one submission).

Conditions:
Glycogen storage disease type III (GSD3). Also called: FORBES DISEASE; Cori disease. Identifiers: Orphanet 366, MedGen C0017922, MONDO:0009291, OMIM 232400.

Submission:

Myriad Genetics, Inc.
Classification: Likely pathogenic for Glycogen storage disease type III. Last evaluated: 2022-04-01. Review status: criteria provided, single submitter. Criteria: Myriad Women's Health Autosomal Recessive and X-Linked Classification Criteria (2021). Collection method: clinical testing. Allele origin: unknown.
Comment: NM_000642.2(AGL):c.1115delA(N372Ifs*10) is expected to be pathogenic in the context of glycogen storage disease type III. This variant is predicted to lead to an abnormal or absent protein product due to the creation of a premature termination codon in AGL, a gene where loss-of-function variants are known to be pathogenic. Please note: this variant was assessed in the context of healthy population screening.

NM_000642.3(AGL):c.1115del (p.Asn372fs)

Gene: AGL (amylo-alpha-1,6-glucosidase and 4-alpha-glucanotransferase; plus strand). Cytogenetic location: 1p21.2.
Variant type: Deletion.
Coding change: c.1115del on transcript NM_000642.3 (MANE Select); coding-DNA position 1115, one base deleted (A; older notation c.1115delA).
Protein change: p.Asn372fs; shifts the reading frame from asparagine 372.
Molecular consequence: frameshift variant.
Genome position (GRCh38, 1-based): chr1:99,875,186, A deleted; the last of 2 consecutive A bases (chr1:99,875,185-99,875,186); deleting either gives the same sequence. VCF-style (leftmost placement, unchanged base first): chr1-99875184-TA-T. GRCh37 (hg19) VCF-style: chr1-100340740-TA-T.
Other names: c.1115delA, p.Asn372Ilefs (NM_000028.3, NM_000643.3, NM_000644.3 and 2 more transcripts); c.1067delA, p.Asn356Ilefs (NM_000646.3); c.911delA, p.Asn304Ilefs (NM_001425328.1, NM_001425329.1); c.737delA, p.Asn246Ilefs (NM_001425332.1); short protein forms N356fs, N372fs.
Identifiers: ClinVar variation 1725810 (VCV001725810.2), dbSNP rs2524599189, ClinGen allele CA2580063415.